The following is an entry in ClinVar:

ClinVar aggregate classification (germline): Pathogenic. Review status: criteria provided, multiple submitters, no conflicts (2 of 4 stars). 2 submissions from 2 submitters: Pathogenic (2). Last evaluated 2019-11-18.

Conditions:
Hereditary cancer-predisposing syndrome. Also called: Neoplastic Syndromes, Hereditary; Hereditary neoplastic syndrome; Tumor predisposition; Hereditary Cancer Syndrome. Identifiers: Orphanet 140162, MedGen C0027672, MeSH D009386, MONDO:0015356.
Tuberous sclerosis 2 (TSC2). Identifiers: Orphanet 805, MedGen C1860707, MONDO:0013199, OMIM 613254.

Submissions (2):

Labcorp Genetics (formerly Invitae), Labcorp
Classification: Pathogenic for Tuberous sclerosis 2. Last evaluated: 2019-11-18. Review status: criteria provided, single submitter. Criteria: Invitae Variant Classification Sherloc (09022015). Collection method: clinical testing. Allele origin: germline.
Comment: For these reasons, this variant has been classified as Pathogenic. Loss-of-function variants in TSC2 are known to be pathogenic (PMID: 10205261, 17304050). This variant has not been reported in the literature in individuals with TSC2-related conditions. This variant is not present in population databases (ExAC no frequency). This sequence change creates a premature translational stop signal (p.Glu588*) in the TSC2 gene. It is expected to result in an absent or disrupted protein product.

Ambry Genetics
Classification: Pathogenic for Hereditary cancer-predisposing syndrome. Last evaluated: 2018-12-14. Review status: criteria provided, single submitter. Criteria: Ambry Variant Classification Scheme 2023. Collection method: clinical testing. Allele origin: germline.
Comment: The p.E588* pathogenic mutation (also known as c.1762G>T), located in coding exon 16 of the TSC2 gene, results from a G to T substitution at nucleotide position 1762. This changes the amino acid from a glutamic acid to a stop codon within coding exon 16. This alteration is expected to result in loss of function by premature protein truncation or nonsense-mediated mRNA decay. As such, this alteration is interpreted as a disease-causing mutation.

Literature cited by the submitters: PubMed 10205261 (cited by Labcorp Genetics (formerly Invitae), Labcorp); PubMed 17304050 (cited by Labcorp Genetics (formerly Invitae), Labcorp).

NM_000548.5(TSC2):c.1762G>T (p.Glu588Ter)

Gene: TSC2 (TSC complex subunit 2; plus strand). Cytogenetic location: 16p13.3.
Variant type: single nucleotide variant.
Coding change: c.1762G>T on transcript NM_000548.5 (MANE Select); coding-DNA position 1762, G replaced by T.
Protein change: p.Glu588Ter; replaces glutamic acid 588 with a stop codon.
Molecular consequence: nonsense.
Genome position (GRCh38, 1-based): chr16:2,070,501, G>T. VCF-style: chr16-2070501-G-T. GRCh37 (hg19) VCF-style: chr16-2120502-G-T.
Other names: c.1762G>T, p.Glu588Ter (NM_001077183.3, NM_001114382.3, NM_001363528.2 and 3 more transcripts); c.1651G>T, p.Glu551Ter (NM_001318827.2); c.1615G>T, p.Glu539Ter (NM_001318829.2); c.1162G>T, p.Glu388Ter (NM_001318831.2); c.1795G>T, p.Glu599Ter (NM_001318832.2); short protein forms E388*, E588*, E599*, E539*, E551*.
Identifiers: ClinVar variation 846684 (VCV000846684.10), dbSNP rs1596336374, ClinGen allele CA394272860.
Genomic context (GRCh38, chr16:2,070,501, plus strand): 5'-GTCCTCTCTCTGCAGACCAAGCTGTACACCCTGCCTGCAAGCCACGCCACGCGTGTGTAT[G>T]AGATGCTGGTCAGCCACATTCAGCTCCACTACAAGCACAGCTACACCCTGCCAATCGCGA-3'